The following is an entry in ClinVar:

ClinVar aggregate classification (germline): Uncertain significance. Review status: criteria provided, multiple submitters, no conflicts (2 of 4 stars). 2 submissions from 2 submitters: Uncertain significance (2). Last evaluated 2023-07-19.

Submissions (2):

Women's Health and Genetics/Laboratory Corporation of America, LabCorp
Classification: Uncertain significance. Last evaluated: 2023-07-19. Review status: criteria provided, single submitter. Criteria: LabCorp Variant Classification Summary - May 2015. Collection method: clinical testing. Allele origin: germline.
Comment: Variant summary: GLA c.151A>G (p.Met51Val) results in a conservative amino acid change in the encoded protein sequence. Other missense variants affecting this residue have been found in association with Fabry disease (HGMD), one of which (p.Met51Ile) is classified as pathogenic/likely pathogenic in ClinVar. Three of five in-silico tools predict a benign effect of the variant on protein function. The variant was absent in 183425 control chromosomes (gnomAD). The available data on variant occurrences in the general population are insufficient to allow any conclusion about variant significance. To our knowledge, no occurrence of c.151A>G in individuals affected with Fabry Disease and no experimental evidence demonstrating its impact on protein function have been reported. No submitters have cited clinical-significance assessments for this variant to ClinVar after 2014. Based on the evidence outlined above, the variant was classified as uncertain significance.

Revvity Omics, Revvity
Classification: Uncertain significance. Last evaluated: 2023-07-06. Review status: criteria provided, single submitter. Criteria: ACMG Guidelines, 2015. Collection method: clinical testing. Allele origin: germline.

NM_000169.3(GLA):c.151A>G (p.Met51Val)

Genes: GLA (galactosidase alpha; minus strand), RPL36A-HNRNPH2 (RPL36A-HNRNPH2 readthrough; plus strand). Cytogenetic location: Xq22.1.
Variant type: single nucleotide variant.
Coding change: c.151A>G on transcript NM_000169.3 (MANE Select); coding-DNA position 151, A replaced by G.
Protein change: p.Met51Val; replaces methionine 51 with valine.
Molecular consequence: missense variant. On other transcripts: non-coding transcript variant (3), intron variant (2).
Genome position (GRCh38, 1-based): chrX:101,407,753, T>C on the plus strand (A>G on the coding strand, the complement: GLA is on the minus strand). VCF-style: chrX-101407753-T-C. GRCh37 (hg19) VCF-style: chrX-100662741-T-C.
Other names: c.151A>G, p.Met51Val (NM_001406747.1, NM_001406748.1, NM_001406749.1); c.301-4183T>C (NM_001199973.2); c.178-4183T>C (NM_001199974.2); short protein forms M51V.
Identifiers: ClinVar variation 2577233 (VCV002577233.3), dbSNP rs1569306069, ClinGen allele CA413936946.